The following is an entry in ClinVar:

NM_005554.4(KRT6A):c.1459+7A>G

Gene: KRT6A (keratin 6A; minus strand). Cytogenetic location: 12q13.13.
Variant type: single nucleotide variant.
Coding change: c.1459+7A>G on transcript NM_005554.4 (MANE Select); 7 bases into the intron after coding-DNA position 1459, A replaced by G.
Molecular consequence: intron variant.
Genome position (GRCh38, 1-based): chr12:52,488,062, T>C on the plus strand (A>G on the coding strand, the complement: KRT6A is on the minus strand). VCF-style: chr12-52488062-T-C. GRCh37 (hg19) VCF-style: chr12-52881846-T-C.
Identifiers: ClinVar variation 724911 (VCV000724911.33), dbSNP rs201148499, ClinGen allele CA6581816.

ClinVar aggregate classification (germline): Benign/Likely benign. Review status: criteria provided, multiple submitters, no conflicts (2 of 4 stars). 3 submissions from 3 submitters: Benign (2); Likely benign (1). Last evaluated 2026-01-26.

Allele frequency attached by ClinVar (database versions not stated): TOPMed 0.00042; gnomAD 0.00046 and 0.00052; gnomAD exomes 0.00052 and 0.00066; ExAC 0.00061; 1000 Genomes Project 30x 0.00125; 1000 Genomes Project 0.00140.
gnomAD v4.1: 1,047 of 1,613,976 alleles (0.065%); highest among the groups gnomAD compares: South Asian, 0.098%; 4 homozygotes.

Submissions (3):

Labcorp Genetics (formerly Invitae), Labcorp
Classification: Benign. Last evaluated: 2026-01-26. Review status: criteria provided, single submitter. Criteria: Invitae Variant Classification Sherloc (09022015). Collection method: clinical testing. Allele origin: germline.

Blueprint Genetics
Classification: Likely benign. Last evaluated: 2024-11-26. Review status: criteria provided, single submitter. Criteria: ACMG Guidelines, 2015. Collection method: clinical testing. Allele origin: germline.

CeGaT Center for Human Genetics Tuebingen
Classification: Benign. Last evaluated: 2022-09-01. Review status: criteria provided, single submitter. Criteria: CeGaT Center For Human Genetics Tuebingen Variant Classification Criteria Version 2. Collection method: clinical testing. Allele origin: germline. Affected: yes. Observed: 1 variant allele.
Comment: KRT6A: BS1, BS2